The following is an entry in ClinVar:

NM_006516.4(SLC2A1):c.115-1_115dup

Gene: SLC2A1 (solute carrier family 2 member 1; minus strand). Cytogenetic location: 1p34.2.
Variant type: Duplication.
Coding change: c.115-1_115dup on transcript NM_006516.4 (MANE Select); the canonical splice acceptor site of the intron before coding-DNA position 115 through coding-DNA position 115, 2 bases duplicated (GG; older notation c.115-1_115dupGG).
Molecular consequence: splice acceptor variant.
Genome position (GRCh38, 1-based): chr1:42,931,206-42,931,207, CC duplicated on the plus strand (GG on the coding strand, the reverse complement: SLC2A1 is on the minus strand). VCF-style (leftmost placement, unchanged base first): chr1-42931205-A-ACC. GRCh37 (hg19) VCF-style: chr1-43396876-A-ACC.
Identifiers: ClinVar variation 569353 (VCV000569353.7), dbSNP rs1557646893, ClinGen allele CA891842439.

ClinVar aggregate classification (germline): Pathogenic (1 of 4 stars; one submission).

Conditions:
GLUT1 deficiency syndrome 1, autosomal recessive. Identifiers: MedGen C3149117.

Submission:

Labcorp Genetics (formerly Invitae), Labcorp
Classification: Pathogenic for GLUT1 deficiency syndrome 1, autosomal recessive. Last evaluated: 2018-05-04. Review status: criteria provided, single submitter. Criteria: Invitae Variant Classification Sherloc (09022015). Collection method: clinical testing. Allele origin: germline.
Comment: For these reasons, this variant has been classified as Pathogenic. Loss-of-function variants in SLC2A1 are known to be pathogenic (PMID: 21832227, 26193382). This variant has not been reported in the literature in individuals with SLC2A1-related disease. This variant is not present in population databases (ExAC no frequency). This sequence change creates a premature translational stop signal in the SLC2A1 gene. It is expected to result in an absent or disrupted protein product.

Literature cited by the submitters: PubMed 21832227; PubMed 26193382.